The following is an entry in ClinVar:

ClinVar aggregate classification (germline): Uncertain significance (1 of 4 stars; one submission).

Conditions:
FRONTOTEMPORAL LOBAR DEGENERATION WITH TDP43 INCLUSIONS, TARDBP-RELATED. Also called: Frontotemporal lobar degeneration, TARDBP-related. Identifiers: MedGen C3150169, OMIM 612069.
Amyotrophic lateral sclerosis type 10 (ALS10). Also called: AMYOTROPHIC LATERAL SCLEROSIS 10 WITHOUT FRONTOTEMPORAL DEMENTIA AND WITH TDP43 INCLUSIONS; AMYOTROPHIC LATERAL SCLEROSIS 10 WITH OR WITHOUT FRONTOTEMPORAL DEMENTIA AND WITH TDP43 INCLUSIONS; AMYOTROPHIC LATERAL SCLEROSIS 10 WITH OR WITHOUT FRONTOTEMPORAL DEMENTIA; TARDBP-Related Amyotrophic Lateral Sclerosis-Frontotemporal Dementia; Amyotrophic lateral sclerosis 10, with or without FTD. Identifiers: Orphanet 275872, Orphanet 803, MedGen C2677565, MONDO:0012790, OMIM 612069.

Submission:

Labcorp Genetics (formerly Invitae), Labcorp
Classification: Uncertain significance for Amyotrophic lateral sclerosis type 10; FRONTOTEMPORAL LOBAR DEGENERATION WITH TDP43 INCLUSIONS, TARDBP-RELATED. Last evaluated: 2021-12-27. Review status: criteria provided, single submitter. Criteria: Invitae Variant Classification Sherloc (09022015). Collection method: clinical testing. Allele origin: germline.
Comment: This sequence change replaces glycine, which is neutral and non-polar, with glutamic acid, which is acidic and polar, at codon 196 of the TARDBP protein (p.Gly196Glu). This variant is not present in population databases (gnomAD no frequency). This variant has not been reported in the literature in individuals affected with TARDBP-related conditions. Algorithms developed to predict the effect of missense changes on protein structure and function (SIFT, PolyPhen-2, Align-GVGD) all suggest that this variant is likely to be disruptive. In summary, the available evidence is currently insufficient to determine the role of this variant in disease. Therefore, it has been classified as a Variant of Uncertain Significance.

NM_007375.4(TARDBP):c.587G>A (p.Gly196Glu)

Gene: TARDBP (TAR DNA binding protein; plus strand). Cytogenetic location: 1p36.22.
Variant type: single nucleotide variant.
Coding change: c.587G>A on transcript NM_007375.4 (MANE Select); coding-DNA position 587, G replaced by A.
Protein change: p.Gly196Glu; replaces glycine 196 with glutamic acid.
Molecular consequence: missense variant.
Genome position (GRCh38, 1-based): chr1:11,020,472, G>A. VCF-style: chr1-11020472-G-A. GRCh37 (hg19) VCF-style: chr1-11080529-G-A.
Other names: short protein forms G196E.
Identifiers: ClinVar variation 2061989 (VCV002061989.4), dbSNP rs2521324488, ClinGen allele CA338362703.
Genomic context (GRCh38, chr1:11,020,472, plus strand): 5'-CCTTTTGATTTGATCAGCAAAGCCAAGATGAGCCTTTGAGAAGCAGAAAAGTGTTTGTGG[G>A]GCGCTGTACAGAGGACATGACTGAGGATGAGCTGCGGGAGTTCTTCTCTCAGTACGGGGA-3'
Protein context (NP_031401.1, residues 186-206): EPLRSRKVFV[Gly196Glu]RCTEDMTEDE